The following is an entry in ClinVar:

NM_003850.3(SUCLA2):c.186ATT[1] (p.Leu64del)

Gene: SUCLA2 (succinate-CoA ligase ADP-forming subunit beta; minus strand). Cytogenetic location: 13q14.2.
Variant type: Microsatellite.
Coding change: c.186ATT[1] on transcript NM_003850.3 (MANE Select); one copy of the 3-base unit ATT starting at c.186; the reference has two copies in a row; one copy, 3 bases deleted.
Protein change: p.Leu64del; deletes leucine 64.
Molecular consequence: inframe deletion.
Genome position (GRCh38, 1-based): chr13:47,996,923-47,996,925, AAT deleted on the plus strand (ATT on the coding strand, the reverse complement: SUCLA2 is on the minus strand); deleting any 3 consecutive bases within chr13:47,996,923-47,996,928 gives the same sequence; the position shown is the placement nearest the transcript's 3' end. VCF-style (leftmost placement, unchanged base first): chr13-47996922-CAAT-C. GRCh37 (hg19) VCF-style: chr13-48571057-CAAT-C.
Other names: short protein forms L64del.
Identifiers: ClinVar variation 2874127 (VCV002874127.3), dbSNP rs2541715542, ClinGen allele CA2739277615.

ClinVar aggregate classification (germline): Uncertain significance (1 of 4 stars; one submission).

Conditions:
Mitochondrial DNA depletion syndrome, encephalomyopathic form with methylmalonic aciduria (MTDPS5). Also called: MITOCHONDRIAL DNA DEPLETION SYNDROME, ENCEPHALOMYOPATHIC FORM, WITH OR WITHOUT METHYLMALONIC ACIDURIA, AUTOSOMAL RECESSIVE, SUCLA2-RELATED; Mitochondrial DNA depletion syndrome 5 (encephalomyopathic with or without methylmalonic aciduria); SUCLA2-Related Mitochondrial DNA Depletion Syndrome, Encephalomyopathic Form with Methylmalonic Aciduria; Mitochondrial encephalomyopathy aminoacidopathy. Identifiers: Orphanet 1933, MedGen C5980207, MONDO:0012791, OMIM 612073.

Submission:

Labcorp Genetics (formerly Invitae), Labcorp
Classification: Uncertain significance for Mitochondrial DNA depletion syndrome, encephalomyopathic form with methylmalonic aciduria. Last evaluated: 2023-12-14. Review status: criteria provided, single submitter. Criteria: Invitae Variant Classification Sherloc (09022015). Collection method: clinical testing. Allele origin: germline.
Comment: This variant, c.189_191del, results in the deletion of 1 amino acid(s) of the SUCLA2 protein (p.Leu64del), but otherwise preserves the integrity of the reading frame. This variant is not present in population databases (gnomAD no frequency). This variant has not been reported in the literature in individuals affected with SUCLA2-related conditions. Experimental studies and prediction algorithms are not available or were not evaluated, and the functional significance of this variant is currently unknown. In summary, the available evidence is currently insufficient to determine the role of this variant in disease. Therefore, it has been classified as a Variant of Uncertain Significance.